The following is an entry in ClinVar:

NM_001854.4(COL11A1):c.1450G>A (p.Gly484Ser)

Gene: COL11A1 (collagen type XI alpha 1 chain; minus strand). Cytogenetic location: 1p21.1.
Variant type: single nucleotide variant.
Coding change: c.1450G>A on transcript NM_001854.4 (MANE Select); coding-DNA position 1450, G replaced by A.
Protein change: p.Gly484Ser; replaces glycine 484 with serine.
Molecular consequence: missense variant. On other transcripts: non-coding transcript variant (1).
Genome position (GRCh38, 1-based): chr1:103,015,706, C>T on the plus strand (G>A on the coding strand, the complement: COL11A1 is on the minus strand). VCF-style: chr1-103015706-C-T. GRCh37 (hg19) VCF-style: chr1-103481262-C-T.
Other names: c.1333G>A, p.Gly445Ser (NM_001190709.2); c.1486G>A, p.Gly496Ser (NM_080629.3); c.1102G>A, p.Gly368Ser (NM_080630.4); short protein forms G368S, G445S, G484S, G496S.
Identifiers: ClinVar variation 3901352 (VCV003901352.1).

ClinVar aggregate classification (germline): Uncertain significance (1 of 4 stars; one submission).

Submission:

GeneDx
Classification: Uncertain significance. Last evaluated: 2024-12-03. Review status: criteria provided, single submitter. Criteria: GeneDx Variant Classification Process June 2021. Collection method: clinical testing. Allele origin: germline. Affected: yes.
Comment: Not observed at significant frequency in large population cohorts (gnomAD); In silico analysis supports that this missense variant has a deleterious effect on protein structure/function; Has not been previously published as pathogenic or benign to our knowledge; Not located in the triple helical region, where the majority of pathogenic missense variants occur (HGMD; PMID: 25240749)